The following is an entry in ClinVar:

ClinVar aggregate classification (germline): Benign. Review status: criteria provided, single submitter (1 of 4 stars). 2 submissions from 2 submitters: Benign (1). 1 of the submissions does not count toward it. Last evaluated 2024-09-28.

Conditions:
NHS-related disorder. Also called: NHS-related condition.
Nance-Horan syndrome (NHS). Identifiers: Orphanet 627, MedGen C0796085, MONDO:0010545, OMIM 302350.

Allele frequency attached by ClinVar (database versions not stated): gnomAD below 0.00001 and 0.00003; TOPMed 0.00002; gnomAD exomes 0.00007 and 0.00019; ExAC 0.00018; 1000 Genomes Project 0.00079; 1000 Genomes Project 30x 0.00083.
gnomAD v4.1: 83 of 1,209,575 alleles (0.0069%); highest among the groups gnomAD compares: South Asian, 0.12%; no homozygotes.

Submissions (2):

Labcorp Genetics (formerly Invitae), Labcorp
Classification: Benign for Nance-Horan syndrome. Last evaluated: 2024-09-28. Review status: criteria provided, single submitter. Criteria: Invitae Variant Classification Sherloc (09022015). Collection method: clinical testing. Allele origin: germline.

PreventionGenetics, part of Exact Sciences
Classification: Likely benign for NHS-related condition. Last evaluated: 2023-08-01. Review status: no assertion criteria provided. Collection method: clinical testing. Allele origin: germline. Not counted in ClinVar's aggregate classification.
Comment: This variant is classified as likely benign based on ACMG/AMP sequence variant interpretation guidelines (Richards et al. 2015 PMID: 25741868, with internal and published modifications).

NM_001291867.2(NHS):c.1501C>T (p.Arg501Cys)

Gene: NHS (NHS actin remodeling regulator; plus strand). Cytogenetic location: Xp22.13.
Variant type: single nucleotide variant.
Coding change: c.1501C>T on transcript NM_001291867.2 (MANE Select); coding-DNA position 1501, C replaced by T.
Protein change: p.Arg501Cys; replaces arginine 501 with cysteine.
Molecular consequence: missense variant.
Genome position (GRCh38, 1-based): chrX:17,725,607, C>T. VCF-style: chrX-17725607-C-T. GRCh37 (hg19) VCF-style: chrX-17743727-C-T.
Other names: c.970C>T, p.Arg324Cys (NM_001136024.4); c.907C>T, p.Arg303Cys (NM_001291868.2); c.1438C>T, p.Arg480Cys (NM_198270.4); short protein forms R501C, R324C, R303C, R480C.
Identifiers: ClinVar variation 734461 (VCV000734461.10), dbSNP rs770144581, ClinGen allele CA10358628.
Genomic context (GRCh38, chrX:17,725,607, plus strand): 5'-GGCAACATTTCTGCCCTAGCAGACAAAGGTGACACCATGTTTACTCCTGCAGTGAGCAGC[C>T]GCACAAGATCTCGGAGCCTTCCCCGGGAAGGTAATAGAGGTGGGGATGCTGAGCCCAAAG-3'
Protein context (NP_001278796.1, residues 491-511): DTMFTPAVSS[Arg501Cys]TRSRSLPREG